The following is an entry in ClinVar:

ClinVar aggregate classification (germline): Likely benign. Review status: criteria provided, multiple submitters, no conflicts (2 of 4 stars). 3 submissions from 3 submitters: Likely benign (2). 1 of the submissions does not count toward it. Last evaluated 2025-09-21.

Conditions:
FLI1-related disorder. Also called: FLI1-related condition.

Allele frequency attached by ClinVar (database versions not stated): TOPMed 0.00004; ExAC 0.00005; gnomAD 0.00006; ESP Exome Variant Server 0.00008.
gnomAD v4.1: 22 of 1,585,024 alleles (0.0014%); highest among the groups gnomAD compares: African/African-American, 0.013%; no homozygotes.

Submissions (3):

Labcorp Genetics (formerly Invitae), Labcorp
Classification: Likely benign. Last evaluated: 2025-09-21. Review status: criteria provided, single submitter. Criteria: Invitae Variant Classification Sherloc (09022015). Collection method: clinical testing. Allele origin: germline.

Blueprint Genetics
Classification: Likely benign. Last evaluated: 2022-08-09. Review status: criteria provided, single submitter. Criteria: ACMG Guidelines, 2015. Collection method: clinical testing. Allele origin: germline.

PreventionGenetics, part of Exact Sciences
Classification: Likely benign for FLI1-related condition. Last evaluated: 2021-04-23. Review status: no assertion criteria provided. Collection method: clinical testing. Allele origin: germline. Not counted in ClinVar's aggregate classification.
Comment: This variant is classified as likely benign based on ACMG/AMP sequence variant interpretation guidelines (Richards et al. 2015 PMID: 25741868, with internal and published modifications).

NM_002017.5(FLI1):c.830-7C>T

Gene: FLI1 (Fli-1 proto-oncogene, ETS transcription factor; plus strand). Cytogenetic location: 11q24.3.
Variant type: single nucleotide variant.
Coding change: c.830-7C>T on transcript NM_002017.5 (MANE Select); 7 bases into the intron before coding-DNA position 830, C replaced by T.
Molecular consequence: intron variant.
Genome position (GRCh38, 1-based): chr11:128,810,452, C>T. VCF-style: chr11-128810452-C-T. GRCh37 (hg19) VCF-style: chr11-128680347-C-T.
Other names: c.251-7C>T (NM_001271012.2); c.731-7C>T (NM_001167681.3); c.632-7C>T (NM_001271010.2).
Identifiers: ClinVar variation 3036662 (VCV003036662.5), dbSNP rs372948396, ClinGen allele CA6357278.